The following is an entry in ClinVar:

NM_058216.3(RAD51C):c.237T>C (p.Ser79=)

Gene: RAD51C (RAD51 paralog C; plus strand). Cytogenetic location: 17q22.
Variant type: single nucleotide variant.
Coding change: c.237T>C on transcript NM_058216.3 (MANE Select); coding-DNA position 237, T replaced by C.
Protein change: p.Ser79=; no amino-acid change (serine 79 retained).
Molecular consequence: synonymous variant. On other transcripts: non-coding transcript variant (2).
Genome position (GRCh38, 1-based): chr17:58,695,022, T>C. VCF-style: chr17-58695022-T-C. GRCh37 (hg19) VCF-style: chr17-56772383-T-C.
Other names: c.237T>C, p.Ser79= (NM_002876.4).
Identifiers: ClinVar variation 482172 (VCV000482172.14), dbSNP rs1555593575, ClinGen allele CA501074599.

ClinVar aggregate classification (germline): Benign/Likely benign. Review status: criteria provided, multiple submitters, no conflicts (2 of 4 stars). 5 submissions from 5 submitters: Benign (1); Likely benign (4). Last evaluated 2025-02-14.

Conditions:
Hereditary cancer-predisposing syndrome. Also called: Hereditary neoplastic syndrome; Neoplastic Syndromes, Hereditary; Tumor predisposition; Hereditary Cancer Syndrome. Identifiers: Orphanet 140162, MedGen C0027672, MeSH D009386, MONDO:0015356.
Breast-ovarian cancer, familial, susceptibility to, 3. Also called: RAD51C-Related Breast/Ovarian Cancer. Identifiers: Orphanet 145, MedGen C3150659, MONDO:0013253, OMIM 613399.
Fanconi anemia complementation group O. Also called: RAD51C-Related Fanconi Anemia. Identifiers: Orphanet 84, MedGen C3150653, MONDO:0013248, OMIM 613390.

Allele frequency attached by ClinVar (database versions not stated): TOPMed below 0.00001.
gnomAD v4.1: 4 of 1,614,068 alleles (0.00025%); highest among the groups gnomAD compares: Non-Finnish European, 0.00034%; no homozygotes.

Submissions (5):

Myriad Genetics, Inc.
Classification: Benign for Breast-ovarian cancer, familial, susceptibility to, 3. Last evaluated: 2025-02-14. Review status: criteria provided, single submitter. Criteria: Myriad Autosomal Dominant, Autosomal Recessive and X-Linked Classification Criteria (2023). Collection method: clinical testing. Allele origin: unknown.
Comment: This variant is considered benign. This variant is a silent/synonymous amino acid change and it is not expected to impact splicing.

Labcorp Genetics (formerly Invitae), Labcorp
Classification: Likely benign for Fanconi anemia complementation group O. Last evaluated: 2023-08-16. Review status: criteria provided, single submitter. Criteria: Invitae Variant Classification Sherloc (09022015). Collection method: clinical testing. Allele origin: germline.

Color Diagnostics, LLC DBA Color Health
Classification: Likely benign for Hereditary cancer-predisposing syndrome. Last evaluated: 2020-01-27. Review status: criteria provided, single submitter. Criteria: ACMG Guidelines, 2015. Collection method: clinical testing. Allele origin: germline.

Women's Health and Genetics/Laboratory Corporation of America, LabCorp
Classification: Likely benign. Last evaluated: 2019-08-29. Review status: criteria provided, single submitter. Criteria: LabCorp Variant Classification Summary - May 2015. Collection method: clinical testing. Allele origin: germline.

Ambry Genetics
Classification: Likely benign for Hereditary cancer-predisposing syndrome. Last evaluated: 2016-10-05. Review status: criteria provided, single submitter. Criteria: Ambry Variant Classification Scheme 2023. Collection method: clinical testing. Allele origin: germline.